The following is an entry in ClinVar:

ClinVar aggregate classification (germline): Uncertain significance (1 of 4 stars; one submission).

Allele frequency attached by ClinVar (database versions not stated): TOPMed 0.00001.

Submission:

Labcorp Genetics (formerly Invitae), Labcorp
Classification: Uncertain significance. Last evaluated: 2024-01-06. Review status: criteria provided, single submitter. Criteria: Invitae Variant Classification Sherloc (09022015). Collection method: clinical testing. Allele origin: germline.
Comment: This sequence change creates a premature translational stop signal (p.Gln143*) in the SPECC1L gene. It is expected to result in an absent or disrupted protein product. However, the current clinical and genetic evidence is not sufficient to establish whether loss-of-function variants in SPECC1L cause disease. This variant is not present in population databases (gnomAD no frequency). This variant has not been reported in the literature in individuals affected with SPECC1L-related conditions. In summary, the available evidence is currently insufficient to determine the role of this variant in disease. Therefore, it has been classified as a Variant of Uncertain Significance.

NM_015330.6(SPECC1L):c.427C>T (p.Gln143Ter)

Genes: SPECC1L (sperm antigen with calponin homology and coiled-coil domains 1 like; plus strand), SPECC1L-ADORA2A (SPECC1L-ADORA2A readthrough (NMD candidate); plus strand). Cytogenetic location: 22q11.23.
Variant type: single nucleotide variant.
Coding change: c.427C>T on transcript NM_015330.6 (MANE Select); coding-DNA position 427, C replaced by T.
Protein change: p.Gln143Ter; replaces glutamine 143 with a stop codon.
Molecular consequence: nonsense. On other transcripts: non-coding transcript variant (1).
Genome position (GRCh38, 1-based): chr22:24,321,407, C>T. VCF-style: chr22-24321407-C-T. GRCh37 (hg19) VCF-style: chr22-24717375-C-T.
Other names: c.427C>T, p.Gln143Ter (NM_001145468.4, NM_001254732.3); short protein forms Q143*.
Identifiers: ClinVar variation 2811611 (VCV002811611.3), dbSNP rs2040720804, ClinGen allele CA410964871.
Genomic context (GRCh38, chr22:24,321,407, plus strand): 5'-AGAGAAAGATTACGTGAACGTACCCGATTAAACCAGAGCAAAAAACTACCTTCTGCAGGT[C>T]AGGGAGCTAATGACATGGCATTGGCCAAACGTTCCCGCAGTCGAACTGCTACAGAATGTG-3'